The following is an entry in ClinVar:

NM_001163278.2(TENM1):c.8025G>T (p.Glu2675Asp)

Gene: TENM1 (teneurin transmembrane protein 1; minus strand). Cytogenetic location: Xq25.
Variant type: single nucleotide variant.
Coding change: c.8025G>T on transcript NM_001163278.2 (MANE Select); coding-DNA position 8025, G replaced by T.
Protein change: p.Glu2675Asp; replaces glutamic acid 2675 with aspartic acid.
Molecular consequence: missense variant.
Genome position (GRCh38, 1-based): chrX:124,380,710, C>A on the plus strand (G>T on the coding strand, the complement: TENM1 is on the minus strand). VCF-style: chrX-124380710-C-A. GRCh37 (hg19) VCF-style: chrX-123514560-C-A.
Other names: c.8022G>T, p.Glu2674Asp (NM_001163279.1); c.8004G>T, p.Glu2668Asp (NM_014253.3); short protein forms E2668D, E2674D, E2675D.
Identifiers: ClinVar variation 2661360 (VCV002661360.24), dbSNP rs2522858376, ClinGen allele CA414126089.

ClinVar aggregate classification (germline): Uncertain significance (1 of 4 stars; one submission).

gnomAD v4.1: 8 of 1,211,680 alleles (0.00066%); highest among the groups gnomAD compares: East Asian, 0.0089%; no homozygotes.

Submission:

CeGaT Center for Human Genetics Tuebingen
Classification: Uncertain significance. Last evaluated: 2022-04-01. Review status: criteria provided, single submitter. Criteria: CeGaT Center For Human Genetics Tuebingen Variant Classification Criteria Version 2. Collection method: clinical testing. Allele origin: germline. Affected: yes. Observed: 1 variant allele.
Comment: TENM1: PM2, PP2